The following is an entry in ClinVar:

NC_012920.1(MT-ND5):m.12349A>G

Gene: MT-ND5 (mitochondrially encoded NADH dehydrogenase 5; plus strand).
Variant type: single nucleotide variant.
Genome position: chrM-12349-A-G.
Identifiers: ClinVar variation 693422 (VCV000693422.1), dbSNP rs1603223678, ClinGen allele CA414812766.

ClinVar aggregate classification (germline): Uncertain significance (1 of 4 stars; one submission).

Conditions:
Leigh syndrome (NULS). Also called: Leigh's necrotizing encephalopathy; Leigh's disease; Leigh Syndrome (mtDNA deletion); Leigh Disease; Subacute necrotizing encephalopathy; Necrotizing encephalopathy infantile subacute of Leigh. Identifiers: Orphanet 506, MedGen C2931891, MONDO:0009723, OMIM 256000.

Submission:

Wong Mito Lab, Molecular and Human Genetics, Baylor College of Medicine
Classification: Uncertain significance for Leigh syndrome. Last evaluated: 2019-10-17. Review status: criteria provided, single submitter. Criteria: Modified ACMG Guidelines (Unpublished). Collection method: clinical testing. Allele origin: germline.
Comment: The NC_012920.1:m.12349A>G (YP_003024036.1:p.Thr5Ala) variant in MTND5 gene is interpretated to be a Uncertain Significance variant based on the modified ACMG guidelines (unpublished). This variant meets the following evidence codes: BP4